The following is an entry in ClinVar:

NM_006351.4(TIMM44):c.58A>G (p.Ser20Gly)

Gene: TIMM44 (translocase of inner mitochondrial membrane 44; minus strand). Cytogenetic location: 19p13.2.
Variant type: single nucleotide variant.
Coding change: c.58A>G on transcript NM_006351.4 (MANE Select); coding-DNA position 58, A replaced by G.
Protein change: p.Ser20Gly; replaces serine 20 with glycine.
Molecular consequence: missense variant.
Genome position (GRCh38, 1-based): chr19:7,941,185, T>C on the plus strand (A>G on the coding strand, the complement: TIMM44 is on the minus strand). VCF-style: chr19-7941185-T-C. GRCh37 (hg19) VCF-style: chr19-8006070-T-C.
Other names: short protein forms S20G.
Identifiers: ClinVar variation 215251 (VCV000215251.3), dbSNP rs149700042, ClinGen allele CA320925.

ClinVar aggregate classification (germline): Conflicting classifications of pathogenicity. Review status: criteria provided, conflicting classifications (1 of 4 stars). 2 submissions from 2 submitters: Uncertain significance (1); Likely benign (1). Last evaluated 2021-06-11.

Allele frequency attached by ClinVar (database versions not stated): gnomAD 0.00048; TOPMed 0.00050; ExAC 0.00056; gnomAD exomes 0.00058 and 0.00071; ESP Exome Variant Server 0.00077.
gnomAD v4.1: 1,110 of 1,613,720 alleles (0.069%); highest among the groups gnomAD compares: Middle Eastern, 0.15%; 1 homozygote.

Submissions (2):

Ambry Genetics
Classification: Uncertain significance. Last evaluated: 2021-06-11. Review status: criteria provided, single submitter. Criteria: Ambry Variant Classification Scheme 2023. Collection method: clinical testing. Allele origin: germline.

GeneDx
Classification: Likely benign. Last evaluated: 2014-08-06. Review status: criteria provided, single submitter. Criteria: GeneDx Variant Classification (06012015). Collection method: clinical testing. Allele origin: germline. Affected: yes.
Comment: This variant is considered likely benign or benign based on one or more of the following criteria: it is a conservative change, it occurs at a poorly conserved position in the protein, it is predicted to be benign by multiple in silico algorithms, and/or has population frequency not consistent with disease.